The following is an entry in ClinVar:

ClinVar aggregate classification (germline): Uncertain significance. Review status: criteria provided, multiple submitters, no conflicts (2 of 4 stars). 3 submissions from 3 submitters: Uncertain significance (3). Last evaluated 2025-06-11.

Conditions:
CTC1-related disorder. Also called: CTC1-related condition.
Dyskeratosis congenita. Identifiers: Orphanet 1775, MedGen C0265965, MONDO:0015780.

Allele frequency attached by ClinVar (database versions not stated): ExAC 0.00002; gnomAD 0.00002; gnomAD exomes 0.00003 and 0.00004; TOPMed 0.00004.
gnomAD v4.1: 56 of 1,613,590 alleles (0.0035%); highest among the groups gnomAD compares: Non-Finnish European, 0.0046%; no homozygotes.

Submissions (3):

PreventionGenetics, part of Exact Sciences
Classification: Uncertain significance for CTC1-related condition. Last evaluated: 2025-06-11. Review status: criteria provided, single submitter. Criteria: ACMG Guidelines, 2015. Collection method: clinical testing. Allele origin: germline.
Comment: The CTC1 c.2557A>G variant is predicted to result in the amino acid substitution p.Thr853Ala. To our knowledge, this variant has not been reported in the literature. This variant is reported in 0.0058% of alleles in individuals of Latino descent in gnomAD. At this time, the clinical significance of this variant is uncertain due to the absence of conclusive functional and genetic evidence.

Labcorp Genetics (formerly Invitae), Labcorp
Classification: Uncertain significance for Dyskeratosis congenita. Last evaluated: 2024-11-25. Review status: criteria provided, single submitter. Criteria: Invitae Variant Classification Sherloc (09022015). Collection method: clinical testing. Allele origin: germline.
Comment: This sequence change replaces threonine, which is neutral and polar, with alanine, which is neutral and non-polar, at codon 853 of the CTC1 protein (p.Thr853Ala). This variant is present in population databases (rs758218109, gnomAD 0.006%). This variant has not been reported in the literature in individuals affected with CTC1-related conditions. ClinVar contains an entry for this variant (Variation ID: 1404726). Invitae Evidence Modeling of protein sequence and biophysical properties (such as structural, functional, and spatial information, amino acid conservation, physicochemical variation, residue mobility, and thermodynamic stability) has been performed for this missense variant. However, the output from this modeling did not meet the statistical confidence thresholds required to predict the impact of this variant on CTC1 protein function. In summary, the available evidence is currently insufficient to determine the role of this variant in disease. Therefore, it has been classified as a Variant of Uncertain Significance.

Breakthrough Genomics
Classification: Uncertain significance. Review status: criteria provided, single submitter. Criteria: ACMG Guidelines, 2015. Collection method: not provided. Allele origin: germline. Inheritance: Autosomal recessive inheritance. Affected: yes.

NM_025099.6(CTC1):c.2557A>G (p.Thr853Ala)

Gene: CTC1 (CST telomere replication complex component 1; minus strand). Cytogenetic location: 17p13.1.
Variant type: single nucleotide variant.
Coding change: c.2557A>G on transcript NM_025099.6 (MANE Select); coding-DNA position 2557, A replaced by G.
Protein change: p.Thr853Ala; replaces threonine 853 with alanine.
Molecular consequence: missense variant. On other transcripts: non-coding transcript variant (1).
Genome position (GRCh38, 1-based): chr17:8,231,388, T>C on the plus strand (A>G on the coding strand, the complement: CTC1 is on the minus strand). VCF-style: chr17-8231388-T-C. GRCh37 (hg19) VCF-style: chr17-8134706-T-C.
Other names: c.2557A>G (NM_025099.5); short protein forms T853A.
Identifiers: ClinVar variation 1404726 (VCV001404726.9), dbSNP rs758218109, ClinGen allele CA8372030.